The following is an entry in ClinVar:

ClinVar aggregate classification (germline): Likely benign (0 of 4 stars; one submission).

Conditions:
PLXNA1-related disorder. Also called: PLXNA1-related condition.

Allele frequency attached by ClinVar (database versions not stated): TOPMed 0.00001; gnomAD exomes 0.00002; gnomAD 0.00003.
gnomAD v4.1: 32 of 1,612,812 alleles (0.002%); highest among the groups gnomAD compares: Admixed American, 0.018%; no homozygotes.

Submission:

PreventionGenetics, part of Exact Sciences
Classification: Likely benign for PLXNA1-related condition. Last evaluated: 2022-04-29. Review status: no assertion criteria provided. Collection method: clinical testing. Allele origin: germline.
Comment: This variant is classified as likely benign based on ACMG/AMP sequence variant interpretation guidelines (Richards et al. 2015 PMID: 25741868, with internal and published modifications).

NM_032242.4(PLXNA1):c.5559C>T (p.His1853=)

Gene: PLXNA1 (plexin A1; plus strand). Cytogenetic location: 3q21.3.
Variant type: single nucleotide variant.
Coding change: c.5559C>T on transcript NM_032242.4 (MANE Select); coding-DNA position 5559, C replaced by T.
Protein change: p.His1853=; no amino-acid change (histidine 1853 retained).
Molecular consequence: synonymous variant.
Genome position (GRCh38, 1-based): chr3:127,032,800, C>T. VCF-style: chr3-127032800-C-T. GRCh37 (hg19) VCF-style: chr3-126751643-C-T.
Identifiers: ClinVar variation 3031149 (VCV003031149.2), dbSNP rs993511646, ClinGen allele CA83340499.